The following is an entry in ClinVar:

ClinVar aggregate classification (germline): Uncertain significance (1 of 4 stars; one submission).

Conditions:
Deficiency of alpha-mannosidase (MANSA). Also called: LYSOSOMAL ALPHA-D-MANNOSIDASE DEFICIENCY; Alpha-Mannosidosis; Mannosidosis, alpha-, types I and II. Identifiers: Orphanet 61, MedGen C0024748, MONDO:0009561, OMIM 248500.

Allele frequency attached by ClinVar (database versions not stated): TOPMed 0.00001; ExAC 0.00002.
gnomAD v4.1: 20 of 1,613,890 alleles (0.0012%); highest among the groups gnomAD compares: East Asian, 0.02%; no homozygotes.

Submission:

Labcorp Genetics (formerly Invitae), Labcorp
Classification: Uncertain significance for Deficiency of alpha-mannosidase. Last evaluated: 2024-01-29. Review status: criteria provided, single submitter. Criteria: Invitae Variant Classification Sherloc (09022015). Collection method: clinical testing. Allele origin: germline.
Comment: This sequence change replaces arginine, which is basic and polar, with cysteine, which is neutral and slightly polar, at codon 638 of the MAN2B1 protein (p.Arg638Cys). This variant is present in population databases (rs749533406, gnomAD 0.01%). This variant has not been reported in the literature in individuals affected with MAN2B1-related conditions. ClinVar contains an entry for this variant (Variation ID: 2147733). Advanced modeling of protein sequence and biophysical properties (such as structural, functional, and spatial information, amino acid conservation, physicochemical variation, residue mobility, and thermodynamic stability) performed at Invitae indicates that this missense variant is not expected to disrupt MAN2B1 protein function with a negative predictive value of 95%. In summary, the available evidence is currently insufficient to determine the role of this variant in disease. Therefore, it has been classified as a Variant of Uncertain Significance.

NM_000528.4(MAN2B1):c.1912C>T (p.Arg638Cys)

Gene: MAN2B1 (mannosidase alpha class 2B member 1; minus strand). Cytogenetic location: 19p13.13.
Variant type: single nucleotide variant.
Coding change: c.1912C>T on transcript NM_000528.4 (MANE Select); coding-DNA position 1912, C replaced by T.
Protein change: p.Arg638Cys; replaces arginine 638 with cysteine.
Molecular consequence: missense variant.
Genome position (GRCh38, 1-based): chr19:12,652,379, G>A on the plus strand (C>T on the coding strand, the complement: MAN2B1 is on the minus strand). VCF-style: chr19-12652379-G-A. GRCh37 (hg19) VCF-style: chr19-12763193-G-A.
Other names: c.1909C>T, p.Arg637Cys (NM_001173498.2); short protein forms R637C, R638C.
Identifiers: ClinVar variation 2147733 (VCV002147733.4), dbSNP rs749533406, ClinGen allele CA9226278.